The following is an entry in ClinVar:

NM_144773.4(PROKR2):c.421G>C (p.Val141Leu)

Gene: PROKR2 (prokineticin receptor 2; minus strand). Cytogenetic location: 20p12.3.
Variant type: single nucleotide variant.
Coding change: c.421G>C on transcript NM_144773.4 (MANE Select); coding-DNA position 421, G replaced by C.
Protein change: p.Val141Leu; replaces valine 141 with leucine.
Molecular consequence: missense variant.
Genome position (GRCh38, 1-based): chr20:5,313,949, C>G on the plus strand (G>C on the coding strand, the complement: PROKR2 is on the minus strand). VCF-style: chr20-5313949-C-G. GRCh37 (hg19) VCF-style: chr20-5294595-C-G.
Other names: short protein forms V141L.
Identifiers: ClinVar variation 1522361 (VCV001522361.6), dbSNP rs573392596, ClinGen allele CA408167731.

ClinVar aggregate classification (germline): Uncertain significance (1 of 4 stars; one submission).

Submission:

Labcorp Genetics (formerly Invitae), Labcorp
Classification: Uncertain significance. Last evaluated: 2023-08-10. Review status: criteria provided, single submitter. Criteria: Invitae Variant Classification Sherloc (09022015). Collection method: clinical testing. Allele origin: germline.
Comment: In summary, the available evidence is currently insufficient to determine the role of this variant in disease. Therefore, it has been classified as a Variant of Uncertain Significance. Advanced modeling of protein sequence and biophysical properties (such as structural, functional, and spatial information, amino acid conservation, physicochemical variation, residue mobility, and thermodynamic stability) performed at Invitae indicates that this missense variant is expected to disrupt PROKR2 protein function. ClinVar contains an entry for this variant (Variation ID: 1522361). This variant has not been reported in the literature in individuals affected with PROKR2-related conditions. This variant is not present in population databases (gnomAD no frequency). This sequence change replaces valine, which is neutral and non-polar, with leucine, which is neutral and non-polar, at codon 141 of the PROKR2 protein (p.Val141Leu).